The following is an entry in ClinVar:

ClinVar aggregate classification (germline): Uncertain significance. Review status: criteria provided, multiple submitters, no conflicts (2 of 4 stars). 2 submissions from 2 submitters: Uncertain significance (2). Last evaluated 2026-01-23.

Conditions:
Autosomal recessive severe congenital neutropenia due to CSF3R deficiency. Also called: Neutropenia, severe congenital, 7, autosomal recessive. Identifiers: Orphanet 420702, MedGen C4310764, MONDO:0014865, OMIM 617014.

Allele frequency attached by ClinVar (database versions not stated): gnomAD exomes 0.00006; ExAC 0.00007; ESP Exome Variant Server 0.00008; TOPMed 0.00015; gnomAD 0.00027 and 0.00029; 1000 Genomes Project 0.00060; 1000 Genomes Project 30x 0.00078.
gnomAD v4.1: 76 of 1,614,140 alleles (0.0047%); highest among the groups gnomAD compares: African/African-American, 0.06%; no homozygotes.

Submissions (2):

Labcorp Genetics (formerly Invitae), Labcorp
Classification: Uncertain significance for Autosomal recessive severe congenital neutropenia due to CSF3R deficiency. Last evaluated: 2026-01-23. Review status: criteria provided, single submitter. Criteria: Invitae Variant Classification Sherloc (09022015). Collection method: clinical testing. Allele origin: germline.
Comment: This sequence change replaces glycine, which is neutral and non-polar, with arginine, which is basic and polar, at codon 21 of the CSF3R protein (p.Gly21Arg). This variant is present in population databases (rs200059719, gnomAD 0.08%). This variant has not been reported in the literature in individuals affected with CSF3R-related conditions. ClinVar contains an entry for this variant (Variation ID: 1015863). An algorithm developed to predict the effect of missense changes on protein structure and function outputs the following: PolyPhen-2: "Benign". The arginine amino acid residue is found in multiple mammalian species, which suggests that this missense change does not adversely affect protein function. In summary, the available evidence is currently insufficient to determine the role of this variant in disease. Therefore, it has been classified as a Variant of Uncertain Significance.

St. Jude Molecular Pathology, St. Jude Children's Research Hospital
Classification: Uncertain significance for Autosomal recessive severe congenital neutropenia due to CSF3R deficiency. Last evaluated: 2024-02-24. Review status: criteria provided, single submitter. Criteria: St. Jude Assertion Criteria 2020. Collection method: clinical testing. Allele origin: germline.
Comment: The CSF3R c.61G>A (p.Gly21Arg) missense change has a maximum subpopulation frequency of 0.080% in gnomAD v2.1.1. The in silico tool REVEL predicts a benign effect on protein function, but to our knowledge this prediction has not been confirmed by functional studies. To our knowledge, this variant has not been reported in individuals with CSF3R-related severe congenital neutropenia. In summary, the evidence currently available is insufficient to determine the clinical significance of this variant. It has therefore been classified as of uncertain significance.

NM_000760.4(CSF3R):c.61G>A (p.Gly21Arg)

Gene: CSF3R (colony stimulating factor 3 receptor; minus strand). Cytogenetic location: 1p34.3.
Variant type: single nucleotide variant.
Coding change: c.61G>A on transcript NM_000760.4 (MANE Select); coding-DNA position 61, G replaced by A.
Protein change: p.Gly21Arg; replaces glycine 21 with arginine.
Molecular consequence: missense variant.
Genome position (GRCh38, 1-based): chr1:36,479,436, C>T on the plus strand (G>A on the coding strand, the complement: CSF3R is on the minus strand). VCF-style: chr1-36479436-C-T. GRCh37 (hg19) VCF-style: chr1-36945037-C-T.
Other names: c.61G>A, p.Gly21Arg (NM_156039.3, NM_172313.3); short protein forms G21R.
Identifiers: ClinVar variation 1015863 (VCV001015863.8), dbSNP rs200059719, ClinGen allele CA769596.
Genomic context (GRCh38, chr1:36,479,436, plus strand): 5'-ATATCTCTCCTTGTAGCTTCCCCTCCCCACTGCACCCTCATCCTTGGCCATACTCACTTC[C>T]GGGGAGCAGCAGGATGATCAGGGCAGCCCAAGTCAGGCTGCAGTTTCCCAGCCTTGCCAT-3'
Protein context (NP_000751.1, residues 11-31): WAALIILLLP[Gly21Arg]SLEECGHISV